The following is an entry in ClinVar:

ClinVar aggregate classification (germline): Conflicting classifications of pathogenicity. Review status: criteria provided, conflicting classifications (1 of 4 stars). 9 submissions from 9 submitters: Pathogenic (1); Uncertain significance (6). 2 of the submissions do not count toward it. Last evaluated 2026-01-31.

Conditions:
Dilated cardiomyopathy 1C (CMD1C). Also called: Cardiomyopathy, dilated, 1C, with or without LVNC; CARDIOMYOPATHY, DILATED, 1C, WITH OR WITHOUT LEFT VENTRICULAR NONCOMPACTION. Identifiers: Orphanet 154, Orphanet 54260, MedGen C1832244, MONDO:0011094, OMIM 601493.
Myofibrillar myopathy 4. Also called: Zaspopathy (type). Identifiers: Orphanet 98912, MedGen C4721886, MONDO:0012277, OMIM 609452.
Cardiovascular phenotype. Identifiers: MedGen CN230736.

Allele frequency attached by ClinVar (database versions not stated): ExAC 0.00003; gnomAD 0.00002 and 0.00001; TOPMed 0.00001; gnomAD exomes 0.00004.
gnomAD v4.1: 41 of 1,600,118 alleles (0.0026%); highest among the groups gnomAD compares: Admixed American, 0.0051%; no homozygotes.

Submissions (9):

Labcorp Genetics (formerly Invitae), Labcorp
Classification: Pathogenic for Myofibrillar myopathy 4. Last evaluated: 2026-01-31. Review status: criteria provided, single submitter. Criteria: Invitae Variant Classification Sherloc (09022015). Collection method: clinical testing. Allele origin: germline.
Comment: The LDB3 gene has multiple clinically relevant transcripts. This variant occurs in alternate transcript NM_007078.3, and corresponds to NM_001080116.1:c.321+1612C>T in the primary transcript. This sequence change creates a premature translational stop signal (p.Arg219*) in the LDB3 gene. It is expected to result in an absent or disrupted protein product. Loss-of-function variants in LDB3 are known to be pathogenic (PMID: 36253531). This variant is present in population databases (rs727503123, gnomAD 0.006%). This variant has not been reported in the literature in individuals affected with LDB3-related conditions. ClinVar contains an entry for this variant (Variation ID: 163829). Algorithms developed to predict the effect of sequence changes on RNA splicing suggest that this variant is not likely to affect RNA splicing. For these reasons, this variant has been classified as Pathogenic.

Women's Health and Genetics/Laboratory Corporation of America, LabCorp
Classification: Uncertain significance. Last evaluated: 2023-10-17. Review status: criteria provided, single submitter. Criteria: LabCorp Variant Classification Summary - May 2015. Collection method: clinical testing. Allele origin: germline.
Comment: Variant summary: LDB3 c.655C>T (p.Arg219X) results in a premature termination codon, predicted to cause a truncation of the encoded protein or absence of the protein due to nonsense mediated decay, however current evidence is not sufficient to establish loss-of-function variants in LDB3 as causative of disease. The variant allele was found at a frequency of 3.7e-05 in 241230 control chromosomes. The available data on variant occurrences in the general population are insufficient to allow any conclusion about variant significance. An alternate transcript is also associated with this variant: NM_001080116 c.321+1612C>T. c.655C>T has been reported in the literature in individuals affected with hypertrophic cardiomyopathy and alcoholic cardiomyopathy, without evidence of causation (Ware_2018, Holmstrom_2021). These report(s) do not provide unequivocal conclusions about association of the variant with Cardiomyopathy. To our knowledge, no experimental evidence demonstrating an impact on protein function has been reported. The following publications have been ascertained in the context of this evaluation (PMID: 34045587, 34691145, 29773157). Three submitters have cited clinical-significance assessments for this variant to ClinVar after 2014. All submitters classified the variant as uncertain significance. Based on the evidence outlined above, the variant was classified as uncertain significance.

Ambry Genetics
Classification: Uncertain significance for Cardiovascular phenotype. Last evaluated: 2023-09-22. Review status: criteria provided, single submitter. Criteria: Ambry Variant Classification Scheme 2023. Collection method: clinical testing. Allele origin: germline.
Comment: The p.R219* variant (also known as c.655C>T), located in coding exon 4 of the LDB3 gene, results from a C to T substitution at nucleotide position 655. This changes the amino acid from an arginine to a stop codon within coding exon 4. This alteration has been reported in a cardiomyopathy cohort and a sudden cardiac death cohort; however, clinical details were limited in both cases (Ware JS et al. J Am Coll Cardiol, 2018 May;71:2293-2302; Holmstr&ouml;m L et al. Sci Rep, 2021 May;11:11171). This alteration is expected to result in protein truncation or nonsense-mediated mRNA decay. However, loss of function of LDB3 has not been established as a mechanism of disease. Since supporting evidence is limited at this time, the clinical significance of this alteration remains unclear.

GeneDx
Classification: Uncertain significance. Last evaluated: 2023-07-21. Review status: criteria provided, single submitter. Criteria: GeneDx Variant Classification Process June 2021. Collection method: clinical testing. Allele origin: germline. Affected: yes.
Comment: Identified in a control patient with hypertension-related cardiac hypertrophy (Holmstrom et al., 2021); Nonsense variant predicted to result in protein truncation or nonsense mediated decay in a gene for which loss-of-function is not an established mechanism of disease; Reported using an alternate transcript of the gene; This variant is associated with the following publications: (PMID: 34045587)

Clinical Genetics Laboratory, Skane University Hospital Lund
Classification: Uncertain significance. Last evaluated: 2022-05-27. Review status: criteria provided, single submitter. Criteria: ACMG Guidelines, 2015. Collection method: clinical testing. Allele origin: germline. Affected: yes.

Genetics and Molecular Pathology, SA Pathology
Classification: Uncertain significance for Dilated cardiomyopathy 1C. Last evaluated: 2021-11-30. Review status: criteria provided, single submitter. Criteria: ACMG Guidelines, 2015. Collection method: clinical testing. Allele origin: germline. Affected: yes.

Laboratory for Molecular Medicine, Mass General Brigham Personalized Medicine
Classification: Uncertain significance. Last evaluated: 2014-04-16. Review status: criteria provided, single submitter. Criteria: LMM Criteria. Collection method: clinical testing. Allele origin: germline. Observed: 1 variant allele.
Comment: Variant classified as Uncertain Significance - Favor Pathogenic. The Arg219X var iant in LDB3 has not been reported in individuals with cardiomyopathy or in larg e population studies. This nonsense variant leads to a premature termination cod on at position 219, which is predicted to lead to a truncated or absent protein (loss-of-function). Studies of mouse models support that absence of LDB3 in the heart leads to DCM (Zheng 2009); however, this has not been well studied in huma ns. Our laboratory has detected homozygous/compound heterozygous loss-of-functio n variants in LDB3 in 2 neonates with DCM +/- LVNC and 1 individual with VT and SCA carried heterozygous loss of function variant. These data suggest that loss- of-function variants in LDB3 are pathogenic in the homozygous/compound heterozyg ous state but additional studies are needed to fully establish their clinical si gnificance.

Clinical Genetics DNA and cytogenetics Diagnostics Lab, Erasmus MC, Erasmus Medical Center
Classification: Uncertain significance. Review status: no assertion criteria provided. Collection method: clinical testing. Allele origin: germline. Affected: yes. Study: VKGL Data-share Consensus. Not counted in ClinVar's aggregate classification.

Joint Genome Diagnostic Labs from Nijmegen and Maastricht, Radboudumc and MUMC+
Classification: Uncertain significance. Review status: no assertion criteria provided. Collection method: clinical testing. Allele origin: germline. Affected: yes. Study: VKGL Data-share Consensus. Not counted in ClinVar's aggregate classification.

Literature cited by the submitters: PubMed 36253531 (cited by Labcorp Genetics (formerly Invitae), Labcorp); PubMed 29773157 (cited by Women's Health and Genetics/Laboratory Corporation of America, LabCorp and Ambry Genetics); PubMed 34691145 (cited by Women's Health and Genetics/Laboratory Corporation of America, LabCorp); PubMed 34045587 (cited by Women's Health and Genetics/Laboratory Corporation of America, LabCorp and Ambry Genetics); PubMed 19028670 (cited by Laboratory for Molecular Medicine, Mass General Brigham Personalized Medicine); PubMed 11696561 (cited by Laboratory for Molecular Medicine, Mass General Brigham Personalized Medicine).

NM_007078.3(LDB3):c.655C>T (p.Arg219Ter)

Gene: LDB3 (LIM domain binding 3; plus strand). Cytogenetic location: 10q23.2.
Variant type: single nucleotide variant.
Coding change: c.655C>T on transcript NM_007078.3 (MANE Select); coding-DNA position 655, C replaced by T.
Protein change: p.Arg219Ter; replaces arginine 219 with a stop codon.
Molecular consequence: nonsense. On other transcripts: intron variant (5).
Genome position (GRCh38, 1-based): chr10:86,681,769, C>T. VCF-style: chr10-86681769-C-T. GRCh37 (hg19) VCF-style: chr10-88441526-C-T.
Other names: c.655C>T, p.Arg219Ter (NM_001080115.2, NM_001171610.2, NM_001171611.2 and 3 more transcripts); c.321+1612C>T (NM_001368068.1, NM_001368066.1, NM_001080114.2 and 2 more transcripts); short protein forms R219*.
Identifiers: ClinVar variation 163829 (VCV000163829.25), dbSNP rs727503123, ClinGen allele CA176537.
Genomic context (GRCh38, chr10:86,681,769, plus strand): 5'-ATTGGCCTGTACTCGGCAGAGACCCTGAGGGAGATGGCTCAGATGTACCAGATGAGCCTC[C>T]GAGGGAAGGCCTCGGGTGTCGGACTCCCAGGAGGGTAGGTAACGGACATACAGCTCTCCA-3'